The following is an entry in ClinVar:

NM_006129.5(BMP1):c.549C>A (p.Cys183Ter)

Gene: BMP1 (bone morphogenetic protein 1; plus strand). Cytogenetic location: 8p21.3.
Variant type: single nucleotide variant.
Coding change: c.549C>A on transcript NM_006129.5 (MANE Select); coding-DNA position 549, C replaced by A.
Protein change: p.Cys183Ter; replaces cysteine 183 with a stop codon.
Molecular consequence: nonsense. On other transcripts: non-coding transcript variant (2).
Genome position (GRCh38, 1-based): chr8:22,176,648, C>A. VCF-style: chr8-22176648-C-A. GRCh37 (hg19) VCF-style: chr8-22034161-C-A.
Other names: c.549C>A, p.Cys183Ter (NM_001199.4); short protein forms C183*.
Identifiers: ClinVar variation 3003541 (VCV003003541.4), dbSNP rs770454056, ClinGen allele CA370541742.

ClinVar aggregate classification (germline): Pathogenic/Likely pathogenic. Review status: criteria provided, multiple submitters, no conflicts (2 of 4 stars). 2 submissions from 2 submitters: Pathogenic (1); Likely pathogenic (1). Last evaluated 2024-04-18.

Conditions:
Osteogenesis imperfecta type 13. Also called: Osteogenesis imperfecta, type xiii; OI, TYPE XIII. Identifiers: Orphanet 666, MedGen C3553887, MONDO:0013924, OMIM 614856.

Submissions (2):

Fulgent Genetics
Classification: Likely pathogenic for Osteogenesis imperfecta type 13. Last evaluated: 2024-04-18. Review status: criteria provided, single submitter. Criteria: ACMG Guidelines, 2015. Collection method: clinical testing. Allele origin: germline.

Labcorp Genetics (formerly Invitae), Labcorp
Classification: Pathogenic. Last evaluated: 2023-05-15. Review status: criteria provided, single submitter. Criteria: Invitae Variant Classification Sherloc (09022015). Collection method: clinical testing. Allele origin: germline.
Comment: For these reasons, this variant has been classified as Pathogenic. This variant has not been reported in the literature in individuals affected with BMP1-related conditions. This variant is not present in population databases (gnomAD no frequency). This sequence change creates a premature translational stop signal (p.Cys183*) in the BMP1 gene. It is expected to result in an absent or disrupted protein product. Loss-of-function variants in BMP1 are known to be pathogenic (PMID: 25656619, 27576954, 28257626).

Literature cited by the submitters: PubMed 25656619 (cited by Labcorp Genetics (formerly Invitae), Labcorp); PubMed 27576954 (cited by Labcorp Genetics (formerly Invitae), Labcorp); PubMed 28257626 (cited by Labcorp Genetics (formerly Invitae), Labcorp).